The following is an entry in ClinVar:

ClinVar aggregate classification (germline): Uncertain significance. Review status: criteria provided, multiple submitters, no conflicts (2 of 4 stars). 3 submissions from 3 submitters: Uncertain significance (3). Last evaluated 2024-05-08.

Conditions:
Hereditary cancer-predisposing syndrome. Also called: Neoplastic Syndromes, Hereditary; Hereditary Cancer Syndrome; Tumor predisposition; Hereditary neoplastic syndrome. Identifiers: Orphanet 140162, MedGen C0027672, MeSH D009386, MONDO:0015356.

Submissions (3):

Labcorp Genetics (formerly Invitae), Labcorp
Classification: Uncertain significance. Last evaluated: 2024-05-08. Review status: criteria provided, single submitter. Criteria: Invitae Variant Classification Sherloc (09022015). Collection method: clinical testing. Allele origin: germline.
Comment: This sequence change replaces serine, which is neutral and polar, with tyrosine, which is neutral and polar, at codon 1687 of the POLE protein (p.Ser1687Tyr). This variant is not present in population databases (gnomAD no frequency). This variant has not been reported in the literature in individuals affected with POLE-related conditions. ClinVar contains an entry for this variant (Variation ID: 574334). Advanced modeling of protein sequence and biophysical properties (such as structural, functional, and spatial information, amino acid conservation, physicochemical variation, residue mobility, and thermodynamic stability) performed at Invitae indicates that this missense variant is expected to disrupt POLE protein function with a positive predictive value of 80%. In summary, the available evidence is currently insufficient to determine the role of this variant in disease. Therefore, it has been classified as a Variant of Uncertain Significance.

Ambry Genetics
Classification: Uncertain significance for Hereditary cancer-predisposing syndrome. Last evaluated: 2023-10-02. Review status: criteria provided, single submitter. Criteria: Ambry Variant Classification Scheme 2023. Collection method: clinical testing. Allele origin: germline.
Comment: The p.S1687Y variant (also known as c.5060C>A), located in coding exon 38 of the POLE gene, results from a C to A substitution at nucleotide position 5060. The serine at codon 1687 is replaced by tyrosine, an amino acid with dissimilar properties. This amino acid position is conserved. In addition, this alteration is predicted to be deleterious by in silico analysis. Since supporting evidence is limited at this time, the clinical significance of this alteration remains unclear.

Quest Diagnostics Nichols Institute San Juan Capistrano
Classification: Uncertain significance. Last evaluated: 2017-11-15. Review status: criteria provided, single submitter. Criteria: Quest Diagnostics criteria. Collection method: clinical testing. Allele origin: germline.

NM_006231.4(POLE):c.5060C>A (p.Ser1687Tyr)

Gene: POLE (DNA polymerase epsilon, catalytic subunit; minus strand). Cytogenetic location: 12q24.33.
Variant type: single nucleotide variant.
Coding change: c.5060C>A on transcript NM_006231.4 (MANE Select); coding-DNA position 5060, C replaced by A.
Protein change: p.Ser1687Tyr; replaces serine 1687 with tyrosine.
Molecular consequence: missense variant.
Genome position (GRCh38, 1-based): chr12:132,642,290, G>T on the plus strand (C>A on the coding strand, the complement: POLE is on the minus strand). VCF-style: chr12-132642290-G-T. GRCh37 (hg19) VCF-style: chr12-133218876-G-T.
Other names: c.5060C>A (NM_006231.2); short protein forms S1687Y.
Identifiers: ClinVar variation 574334 (VCV000574334.10), dbSNP rs1565936909, ClinGen allele CA387377086.
Genomic context (GRCh38, chr12:132,642,290, plus strand): 5'-TCCATGACAAGACAGTTGTCATCAGCCTCCTTTCCACCCAGGTCAGGGCGGGCTGTAGGG[G>T]ACAGCCAGAGCAGGTGGTTGTGGCGCTGGAGGTGGCGGGCAAAGAAGAGGTCGGAGCCGA-3'
Protein context (NP_006222.2, residues 1677-1697): LQRHNHLLWL[Ser1687Tyr]PTARPDLGGK